The following is an entry in ClinVar:

NM_006031.6(PCNT):c.2414_2415delinsTG (p.Ala805Val)

Gene: PCNT (pericentrin; plus strand). Cytogenetic location: 21q22.3.
Variant type: Indel.
Coding change: c.2414_2415delinsTG on transcript NM_006031.6 (MANE Select); coding-DNA positions 2414 to 2415, CC replaced by TG.
Protein change: p.Ala805Val; replaces alanine 805 with valine.
Molecular consequence: missense variant.
Genome position (GRCh38, 1-based): chr21:46,363,739-46,363,740, CC replaced by TG. VCF-style: chr21-46363739-CC-TG. GRCh37 (hg19) VCF-style: chr21-47783654-CC-TG.
Other names: c.2060_2061delinsTG, p.Ala687Val (NM_001315529.2); short protein forms A687V, A805V.
Identifiers: ClinVar variation 4987805 (VCV004987805.1).
Genomic context (GRCh38, chr21:46,363,739, plus strand): 5'-TCATAAACAAGTTTGAGCTTCGAGAAGCTGAAATGAGGCAGCTTCAGGACCAACAGGCAG[CC>TG]CAGATCCTGGATCTGGAGAGGTCCTTGACGGAGCAGCAGGGCCGCCTGCAGCAGCTGGAA-3'
Protein context (NP_006022.3, residues 795-815): EMRQLQDQQA[Ala805Val]QILDLERSLT

ClinVar aggregate classification (germline): Uncertain significance (1 of 4 stars; one submission).

Conditions:
PCNT-related disorder. Also called: PCNT-related condition.

Submission:

PreventionGenetics, part of Exact Sciences
Classification: Uncertain significance for PCNT-related condition. Last evaluated: 2026-04-14. Review status: criteria provided, single submitter. Criteria: ACMG Guidelines, 2015. Collection method: clinical testing. Allele origin: germline.
Comment: The PCNT c.2414_2415delinsTG variant is predicted to result in an in-frame deletion and insertion. To our knowledge, this variant has not been reported in the literature or in a large population database (gnomAD), indicating this variant is rare. At this time, the clinical significance of this variant is uncertain due to the absence of conclusive functional and genetic evidence.